The following is an entry in ClinVar:

ClinVar aggregate classification (germline): Uncertain significance (1 of 4 stars; one submission).

Submission:

Women's Health and Genetics/Laboratory Corporation of America, LabCorp
Classification: Uncertain significance. Last evaluated: 2025-03-05. Review status: criteria provided, single submitter. Criteria: LabCorp Variant Classification Summary - May 2015. Collection method: clinical testing. Allele origin: germline.
Comment: Variant summary: ABCC8 c.189C>A (p.Ser63Arg) results in a non-conservative amino acid change in the encoded protein sequence. Three of five in-silico tools predict a damaging effect of the variant on protein function. The variant was absent in 251356 control chromosomes (gnomAD). The available data on variant occurrences in the general population are insufficient to allow any conclusion about variant significance. To our knowledge, no occurrence of c.189C>A in individuals affected with Familial Hyperinsulinism and no experimental evidence demonstrating its impact on protein function have been reported. No submitters have cited clinical-significance assessments for this variant to ClinVar. Based on the evidence outlined above, the variant was classified as uncertain significance.

NM_000352.6(ABCC8):c.189C>A (p.Ser63Arg)

Gene: ABCC8 (ATP binding cassette subfamily C member 8; minus strand). Cytogenetic location: 11p15.1.
Variant type: single nucleotide variant.
Coding change: c.189C>A on transcript NM_000352.6 (MANE Select); coding-DNA position 189, C replaced by A.
Protein change: p.Ser63Arg; replaces serine 63 with arginine.
Molecular consequence: missense variant. On other transcripts: non-coding transcript variant (1).
Genome position (GRCh38, 1-based): chr11:17,474,987, G>T on the plus strand (C>A on the coding strand, the complement: ABCC8 is on the minus strand). VCF-style: chr11-17474987-G-T. GRCh37 (hg19) VCF-style: chr11-17496534-G-T.
Other names: c.189C>A, p.Ser63Arg (NM_001287174.3, NM_001351295.2, NM_001351296.2 and 1 more transcripts); short protein forms S63R.
Identifiers: ClinVar variation 3895835 (VCV003895835.1).